The following is an entry in ClinVar:

ClinVar aggregate classification (germline): Uncertain significance (1 of 4 stars; one submission).

Conditions:
NRP1-related disorder. Also called: NRP1-related condition.

gnomAD v4.1: 4 of 1,614,158 alleles (0.00025%); highest among the groups gnomAD compares: Admixed American, 0.0067%; no homozygotes.

Submission:

PreventionGenetics, part of Exact Sciences
Classification: Uncertain significance for NRP1-related condition. Last evaluated: 2025-06-15. Review status: criteria provided, single submitter. Criteria: ACMG Guidelines, 2015. Collection method: clinical testing. Allele origin: germline.
Comment: The NRP1 c.1246T>G variant is predicted to result in the amino acid substitution p.Ser416Ala. To our knowledge, this variant has not been reported in the literature or in a large population database (gnomAD), indicating this variant is rare. At this time, the clinical significance of this variant is uncertain due to the absence of conclusive functional and genetic evidence.

NM_003873.7(NRP1):c.1246T>G (p.Ser416Ala)

Gene: NRP1 (neuropilin 1; minus strand). Cytogenetic location: 10p11.22.
Variant type: single nucleotide variant.
Coding change: c.1246T>G on transcript NM_003873.7 (MANE Select); coding-DNA position 1246, T replaced by G.
Protein change: p.Ser416Ala; replaces serine 416 with alanine.
Molecular consequence: missense variant. On other transcripts: non-coding transcript variant (1).
Genome position (GRCh38, 1-based): chr10:33,221,755, A>C on the plus strand (T>G on the coding strand, the complement: NRP1 is on the minus strand). VCF-style: chr10-33221755-A-C. GRCh37 (hg19) VCF-style: chr10-33510683-A-C.
Other names: c.1246T>G, p.Ser416Ala (NM_001024628.3, NM_001024629.3, NM_001244972.2 and 2 more transcripts); short protein forms S416A.
Identifiers: ClinVar variation 4987328 (VCV004987328.1).
Genomic context (GRCh38, chr10:33,221,755, plus strand): 5'-AGTCTTCAATCTTCCACAGCTTACCTGTTATCTTGCAACCGTATACTTCAAATCTCATAG[A>C]TATGCCAGTTTCCCAAGTTGCAGGCTTGATTCGGACAAATCGAGTTATCAGTGGTTTGGG-3'
Protein context (NP_003864.5, residues 406-426): IKPATWETGI[Ser416Ala]MRFEVYGCKI